The following is an entry in ClinVar:

ClinVar aggregate classification (germline): Uncertain significance. Review status: criteria provided, multiple submitters, no conflicts (2 of 4 stars). 3 submissions from 3 submitters: Uncertain significance (3). Last evaluated 2026-05-12.

Conditions:
Inborn genetic diseases. Identifiers: MedGen C0950123, MeSH D030342.
MAST3-related disorder.

Allele frequency attached by ClinVar (database versions not stated): gnomAD exomes below 0.00001; TOPMed 0.00001.
gnomAD v4.1: 1 of 1,611,338 alleles (0.000062%); highest among the groups gnomAD compares: African/African-American, 0.0013%; no homozygotes.

Submissions (3):

PreventionGenetics, part of Exact Sciences
Classification: Uncertain significance for MAST3-related condition. Last evaluated: 2026-05-12. Review status: criteria provided, single submitter. Criteria: ACMG Guidelines, 2015. Collection method: clinical testing. Allele origin: germline.
Comment: The MAST3 c.3292C>T variant is predicted to result in the amino acid substitution p.His1098Tyr. To our knowledge, this variant has not been reported in the literature or in a large population database (gnomAD), indicating this variant is rare. At this time, the clinical significance of this variant is uncertain due to the absence of conclusive functional and genetic evidence.

Ambry Genetics
Classification: Uncertain significance for Inborn genetic diseases. Last evaluated: 2023-12-27. Review status: criteria provided, single submitter. Criteria: Ambry Variant Classification Scheme 2023. Collection method: clinical testing. Allele origin: germline.

GeneDx
Classification: Uncertain significance. Last evaluated: 2022-11-03. Review status: criteria provided, single submitter. Criteria: GeneDx Variant Classification Process June 2021. Collection method: clinical testing. Allele origin: germline. Affected: yes.
Comment: Not observed at significant frequency in large population cohorts (gnomAD); In silico analysis supports that this missense variant has a deleterious effect on protein structure/function; Has not been previously published as pathogenic or benign to our knowledge

NM_001393504.1(MAST3):c.3406C>T (p.His1136Tyr)

Gene: MAST3 (microtubule associated serine/threonine kinase 3; plus strand). Cytogenetic location: 19p13.11.
Variant type: single nucleotide variant.
Coding change: c.3406C>T on transcript NM_001393504.1 (MANE Select); coding-DNA position 3406, C replaced by T.
Protein change: p.His1136Tyr; replaces histidine 1136 with tyrosine.
Molecular consequence: missense variant.
Genome position (GRCh38, 1-based): chr19:18,147,522, C>T. VCF-style: chr19-18147522-C-T. GRCh37 (hg19) VCF-style: chr19-18258332-C-T.
Other names: c.3337C>T, p.His1113Tyr (NM_001393509.1, NM_001393510.1); c.3334C>T, p.His1112Tyr (NM_001393511.1, NM_001393512.1); c.3331C>T, p.His1111Tyr (NM_001393513.1); c.3319C>T, p.His1107Tyr (NM_001393514.1); c.3316C>T, p.His1106Tyr (NM_001393515.1); c.3313C>T, p.His1105Tyr (NM_001393516.1); c.3310C>T, p.His1104Tyr (NM_001393517.1, NM_001393518.1); c.3307C>T, p.His1103Tyr (NM_001393519.1); and 9 more; short protein forms H1089Y, H1097Y, H1098Y, H1103Y, H1104Y, H1105Y, H1106Y, H1107Y.
Identifiers: ClinVar variation 2501395 (VCV002501395.3), dbSNP rs2043153920, ClinGen allele CA404796554.